The following is an entry in ClinVar:

NM_014806.5(RUSC2):c.752G>A (p.Arg251His)

Gene: RUSC2 (RUN and SH3 domain containing 2; plus strand). Cytogenetic location: 9p13.3.
Variant type: single nucleotide variant.
Coding change: c.752G>A on transcript NM_014806.5 (MANE Select); coding-DNA position 752, G replaced by A.
Protein change: p.Arg251His; replaces arginine 251 with histidine.
Molecular consequence: missense variant. On other transcripts: non-coding transcript variant (1), intron variant (1).
Genome position (GRCh38, 1-based): chr9:35,547,273, G>A. VCF-style: chr9-35547273-G-A. GRCh37 (hg19) VCF-style: chr9-35547270-G-A.
Other names: c.752G>A, p.Arg251His (NM_001135999.2); c.-620-7787G>A (NM_001330740.2); short protein forms R251H.
Identifiers: ClinVar variation 2176544 (VCV002176544.3), dbSNP rs777691017, ClinGen allele CA5043526.
Genomic context (GRCh38, chr9:35,547,273, plus strand): 5'-TCAGTTCAGATGAATCCCCAAGGAACCCTGGATGCTCCGGCTCAGGGGACCAGCACTGCC[G>A]CTGCAGTAGCACATCCAGTCAGTCCGAGGCAGCTGACCAGTCCATGGGCTATGTGAGCGA-3'
Protein context (NP_055621.2, residues 241-261): GCSGSGDQHC[Arg251His]CSSTSSQSEA

ClinVar aggregate classification (germline): Conflicting classifications of pathogenicity. Review status: criteria provided, conflicting classifications (1 of 4 stars). 2 submissions from 2 submitters: Uncertain significance (1); Likely benign (1). Last evaluated 2024-10-30.

Conditions:
Intellectual developmental disorder, autosomal recessive 61. Also called: ALWADEI SYNDROME; MENTAL RETARDATION, AUTOSOMAL RECESSIVE 61; Intellectual disability, autosomal recessive 61. Identifiers: MedGen C4540424, MONDO:0030915, OMIM 617773.

Allele frequency attached by ClinVar (database versions not stated): gnomAD exomes 0.00002; ExAC 0.00004; TOPMed 0.00008; gnomAD 0.00009.

Submissions (2):

Labcorp Genetics (formerly Invitae), Labcorp
Classification: Uncertain significance. Last evaluated: 2024-10-30. Review status: criteria provided, single submitter. Criteria: Invitae Variant Classification Sherloc (09022015). Collection method: clinical testing. Allele origin: germline.
Comment: This sequence change replaces arginine, which is basic and polar, with histidine, which is basic and polar, at codon 251 of the RUSC2 protein (p.Arg251His). This variant is present in population databases (rs777691017, gnomAD 0.02%). This variant has not been reported in the literature in individuals affected with RUSC2-related conditions. ClinVar contains an entry for this variant (Variation ID: 2176544). An algorithm developed to predict the effect of missense changes on protein structure and function outputs the following: PolyPhen-2: "Benign". The histidine amino acid residue is found in multiple mammalian species, which suggests that this missense change does not adversely affect protein function. In summary, the available evidence is currently insufficient to determine the role of this variant in disease. Therefore, it has been classified as a Variant of Uncertain Significance.

3billion
Classification: Likely benign for Intellectual developmental disorder, autosomal recessive 61. Last evaluated: 2024-09-20. Review status: criteria provided, single submitter. Criteria: ACMG Guidelines, 2015. Collection method: clinical testing. Allele origin: germline. Affected: no.
Comment: The homozygous variant was found in patients diagnosed with another variant in a different gene, with no symptoms related to the gene containing the homozygous variant.